The following is an entry in ClinVar:

NM_001042492.3(NF1):c.3211G>A (p.Ala1071Thr)

Gene: NF1 (neurofibromin 1; plus strand). Cytogenetic location: 17q11.2.
Variant type: single nucleotide variant.
Coding change: c.3211G>A on transcript NM_001042492.3 (MANE Select); coding-DNA position 3211, G replaced by A.
Protein change: p.Ala1071Thr; replaces alanine 1071 with threonine.
Molecular consequence: missense variant.
Genome position (GRCh38, 1-based): chr17:31,232,086, G>A. VCF-style: chr17-31232086-G-A. GRCh37 (hg19) VCF-style: chr17-29559104-G-A.
Other names: c.3211G>A, p.Ala1071Thr (NM_000267.4); short protein forms A1071T.
Identifiers: ClinVar variation 2702586 (VCV002702586.4), dbSNP rs2067122183, ClinGen allele CA398988604.

ClinVar aggregate classification (germline): Uncertain significance. Review status: criteria provided, multiple submitters, no conflicts (2 of 4 stars). 2 submissions from 2 submitters: Uncertain significance (2). Last evaluated 2025-05-27.

Conditions:
Cardiovascular phenotype. Identifiers: MedGen CN230736.
Hereditary cancer-predisposing syndrome. Also called: Hereditary Cancer Syndrome; Hereditary neoplastic syndrome; Neoplastic Syndromes, Hereditary; Tumor predisposition. Identifiers: Orphanet 140162, MedGen C0027672, MeSH D009386, MONDO:0015356.
Neurofibromatosis, type 1 (NF1). Also called: Peripheral type neurofibromatosis; VON RECKLINGHAUSEN DISEASE; Neurofibromatosis, type I; NEUROFIBROMATOSIS, TYPE I, SOMATIC. Identifiers: Orphanet 636, MedGen C0027831, MONDO:0018975, OMIM 162200. Disease mechanism: loss of function.

Submissions (2):

Labcorp Genetics (formerly Invitae), Labcorp
Classification: Uncertain significance for Neurofibromatosis, type 1. Last evaluated: 2025-05-27. Review status: criteria provided, single submitter. Criteria: Invitae Variant Classification Sherloc (09022015). Collection method: clinical testing. Allele origin: germline.
Comment: This sequence change replaces alanine, which is neutral and non-polar, with threonine, which is neutral and polar, at codon 1071 of the NF1 protein (p.Ala1071Thr). This variant is not present in population databases (gnomAD no frequency). This variant has not been reported in the literature in individuals affected with NF1-related conditions. ClinVar contains an entry for this variant (Variation ID: 2702586). Invitae Evidence Modeling of protein sequence and biophysical properties (such as structural, functional, and spatial information, amino acid conservation, physicochemical variation, residue mobility, and thermodynamic stability) indicates that this missense variant is expected to disrupt NF1 protein function with a positive predictive value of 95%. In summary, the available evidence is currently insufficient to determine the role of this variant in disease. Therefore, it has been classified as a Variant of Uncertain Significance.

Ambry Genetics
Classification: Uncertain significance for Cardiovascular phenotype; Hereditary cancer-predisposing syndrome. Last evaluated: 2025-05-07. Review status: criteria provided, single submitter. Criteria: Ambry Variant Classification Scheme 2023. Collection method: clinical testing. Allele origin: germline.
Comment: The p.A1071T variant (also known as c.3211G>A), located in coding exon 25 of the NF1 gene, results from a G to A substitution at nucleotide position 3211. The alanine at codon 1071 is replaced by threonine, an amino acid with similar properties. This amino acid position is highly conserved in available vertebrate species. In addition, the in silico prediction for this alteration is inconclusive. Based on the available evidence, the clinical significance of this variant remains unclear.